The following is an entry in ClinVar:

NM_001164508.2(NEB):c.19168del (p.Tyr6390fs)

Gene: NEB (nebulin; minus strand). Cytogenetic location: 2q23.3.
Variant type: Deletion.
Coding change: c.19168del on transcript NM_001164508.2 (MANE Select); coding-DNA position 19168, one base deleted (T; older notation c.19168delT).
Protein change: p.Tyr6390fs; shifts the reading frame from tyrosine 6390.
Molecular consequence: frameshift variant.
Genome position (GRCh38, 1-based): chr2:151,561,042, A deleted on the plus strand (T on the coding strand, the reverse complement: NEB is on the minus strand); the first of 2 consecutive A bases (chr2:151,561,042-151,561,043); deleting either gives the same sequence. VCF-style (leftmost placement, unchanged base first): chr2-151561041-TA-T. GRCh37 (hg19) VCF-style: chr2-152417555-TA-T.
Other names: c.19168del, p.Tyr6390fs (NM_001164507.2, NM_001271208.2); c.14065del, p.Tyr4689fs (NM_004543.5); short protein forms Y4689fs, Y6390fs.
Identifiers: ClinVar variation 1724689 (VCV001724689.2), dbSNP rs2552189324, ClinGen allele CA2580063894.
Genomic context (GRCh38, chr2:151,561,041, plus strand): 5'-GGGGGAAAAAAAACTCAACTCACACTGCTGTAAAGATTCTTCAGGTTTCTGGTTCTGTCA[TA>T]ATCCACTGTTTCTAGAACTGTTGTGTATTTGTCCTTAATCTGATGATAATTTTCTTTATA-3'

ClinVar aggregate classification (germline): Likely pathogenic (1 of 4 stars; one submission).

Conditions:
Nemaline myopathy 2 (NEM2). Also called: Nemaline myopathy 2, autosomal recessive. Identifiers: MedGen C1850569, MONDO:0009725, OMIM 256030.

Submission:

Myriad Genetics, Inc.
Classification: Likely pathogenic for Nemaline myopathy 2. Last evaluated: 2022-02-25. Review status: criteria provided, single submitter. Criteria: Myriad Women's Health Autosomal Recessive and X-Linked Classification Criteria (2021). Collection method: clinical testing. Allele origin: unknown.
Comment: NM_001271208.1(NEB):c.19168delT(Y6390Mfs*7) is expected to be pathogenic in the context of NEB-related nemaline myopathy. This variant is predicted to lead to an abnormal or absent protein product due to the creation of a premature termination codon in NEB, a gene where loss-of-function variants are known to be pathogenic. Please note: this variant was assessed in the context of healthy population screening.